The following is an entry in ClinVar:

NM_001330260.2(SCN8A):c.2642_2643insACCA (p.Leu882fs)

Gene: SCN8A (sodium voltage-gated channel alpha subunit 8; plus strand). Cytogenetic location: 12q13.13.
Variant type: Insertion.
Coding change: c.2642_2643insACCA on transcript NM_001330260.2 (MANE Select); coding-DNA positions 2642 to 2643, ACCA inserted.
Protein change: p.Leu882fs; shifts the reading frame from leucine 882.
Molecular consequence: frameshift variant.
Genome position: GRCh38 VCF-style: chr12-51765768-T-TACCA. GRCh37 (hg19) VCF-style: chr12-52159552-T-TACCA.
Other names: c.2642_2643insACCA, p.Leu882fs (NM_001177984.3, NM_001369788.1, NM_014191.4); short protein forms L882fs.
Identifiers: ClinVar variation 3063993 (VCV003063993.1), dbSNP rs2540260284, ClinGen allele CA2740092380.

ClinVar aggregate classification (germline): Pathogenic (1 of 4 stars; one submission).

Conditions:
Developmental and epileptic encephalopathy, 13 (DEE13). Also called: SCN8A-Related Epilepsy; Early infantile epileptic encephalopathy 13; Developmental and Epileptic Encephalopathy (SCN8A-DEE). Identifiers: Orphanet 442835, MedGen C3281191, MONDO:0013801, OMIM 614558.

Submission:

Women's Health and Genetics/Laboratory Corporation of America, LabCorp
Classification: Pathogenic for Developmental and epileptic encephalopathy, 13. Last evaluated: 2024-01-19. Review status: criteria provided, single submitter. Criteria: LabCorp Variant Classification Summary - May 2015. Collection method: clinical testing. Allele origin: germline.
Comment: Variant summary: SCN8A c.2642_2643insACCA (p.Leu882ProfsX33) results in a premature termination codon, predicted to cause a truncation of the encoded protein or absence of the protein due to nonsense mediated decay, which are commonly known mechanisms for disease. The variant was absent in 250086 control chromosomes. To our knowledge, no occurrence of c.2642_2643insACCA in individuals affected with Early Infantile Epileptic Encephalopathy 13 and no experimental evidence demonstrating its impact on protein function have been reported. No submitters have cited clinical-significance assessments for this variant to ClinVar. Based on the evidence outlined above, the variant was classified as pathogenic.